The following is an entry in ClinVar:

NM_182972.3(IRF2BP2):c.11C>G (p.Ala4Gly)

Gene: IRF2BP2 (interferon regulatory factor 2 binding protein 2; minus strand). Cytogenetic location: 1q42.3.
Variant type: single nucleotide variant.
Coding change: c.11C>G on transcript NM_182972.3 (MANE Select); coding-DNA position 11, C replaced by G.
Protein change: p.Ala4Gly; replaces alanine 4 with glycine.
Molecular consequence: missense variant.
Genome position (GRCh38, 1-based): chr1:234,609,484, G>C on the plus strand (C>G on the coding strand, the complement: IRF2BP2 is on the minus strand). VCF-style: chr1-234609484-G-C. GRCh37 (hg19) VCF-style: chr1-234745230-G-C.
Other names: c.11C>G, p.Ala4Gly (NM_001077397.1); short protein forms A4G.
Identifiers: ClinVar variation 1398779 (VCV001398779.6), dbSNP rs755689516, ClinGen allele CA1461922.

ClinVar aggregate classification (germline): Uncertain significance (1 of 4 stars; one submission).

Allele frequency attached by ClinVar (database versions not stated): TOPMed 0.00003; 1000 Genomes Project 30x 0.00016; gnomAD exomes 0.00016; ExAC 0.00019.
gnomAD v4.1: 65 of 1,500,238 alleles (0.0043%); highest among the groups gnomAD compares: South Asian, 0.033%; 1 homozygote.

Submission:

Labcorp Genetics (formerly Invitae), Labcorp
Classification: Uncertain significance. Last evaluated: 2025-12-17. Review status: criteria provided, single submitter. Criteria: Invitae Variant Classification Sherloc (09022015). Collection method: clinical testing. Allele origin: germline.
Comment: This sequence change replaces alanine, which is neutral and non-polar, with glycine, which is neutral and non-polar, at codon 4 of the IRF2BP2 protein (p.Ala4Gly). This variant is present in population databases (rs755689516, gnomAD 0.03%). This variant has not been reported in the literature in individuals affected with IRF2BP2-related conditions. ClinVar contains an entry for this variant (Variation ID: 1398779). Experimental studies and prediction algorithms are not available or were not evaluated, and the functional significance of this variant is currently unknown. In summary, the available evidence is currently insufficient to determine the role of this variant in disease. Therefore, it has been classified as a Variant of Uncertain Significance.